The following is an entry in ClinVar:

ClinVar aggregate classification (germline): Uncertain significance (1 of 4 stars; one submission).

Conditions:
Peroxisome biogenesis disorder 12A (Zellweger). Also called: Peroxisome biogenesis disorder 12A. Identifiers: Orphanet 912, MedGen C3554002, MONDO:0013951, OMIM 614886.

gnomAD v4.1: 3 of 1,614,130 alleles (0.00019%); highest among the groups gnomAD compares: Non-Finnish European, 0.00025%; no homozygotes.

Submission:

Labcorp Genetics (formerly Invitae), Labcorp
Classification: Uncertain significance for Peroxisome biogenesis disorder 12A (Zellweger). Last evaluated: 2022-08-23. Review status: criteria provided, single submitter. Criteria: Invitae Variant Classification Sherloc (09022015). Collection method: clinical testing. Allele origin: germline.
Comment: This sequence change replaces glycine, which is neutral and non-polar, with arginine, which is basic and polar, at codon 159 of the PEX19 protein (p.Gly159Arg). This variant is not present in population databases (gnomAD no frequency). This variant has not been reported in the literature in individuals affected with PEX19-related conditions. Algorithms developed to predict the effect of missense changes on protein structure and function are either unavailable or do not agree on the potential impact of this missense change (SIFT: "Tolerated"; PolyPhen-2: "Probably Damaging"; Align-GVGD: "Class C0"). In summary, the available evidence is currently insufficient to determine the role of this variant in disease. Therefore, it has been classified as a Variant of Uncertain Significance.

NM_002857.4(PEX19):c.475G>A (p.Gly159Arg)

Gene: PEX19 (peroxisomal biogenesis factor 19; minus strand). Cytogenetic location: 1q23.2.
Variant type: single nucleotide variant.
Coding change: c.475G>A on transcript NM_002857.4 (MANE Select); coding-DNA position 475, G replaced by A.
Protein change: p.Gly159Arg; replaces glycine 159 with arginine.
Molecular consequence: missense variant. On other transcripts: non-coding transcript variant (2).
Genome position (GRCh38, 1-based): chr1:160,282,158, C>T on the plus strand (G>A on the coding strand, the complement: PEX19 is on the minus strand). VCF-style: chr1-160282158-C-T. GRCh37 (hg19) VCF-style: chr1-160251948-C-T.
Other names: c.475G>A, p.Gly159Arg (NM_001193644.1); short protein forms G159R.
Identifiers: ClinVar variation 2145637 (VCV002145637.1), dbSNP rs766423323, ClinGen allele CA31524708.